The following is an entry in ClinVar:

ClinVar aggregate classification (germline): Uncertain significance (1 of 4 stars; one submission).

Submission:

Ambry Genetics
Classification: Uncertain significance. Last evaluated: 2026-03-02. Review status: criteria provided, single submitter. Criteria: Ambry Variant Classification Scheme 2023. Collection method: clinical testing. Allele origin: germline.
Comment: The p.N227D variant (also known as c.679A>G), located in coding exon 6 of the RAD51B gene, results from an A to G substitution at nucleotide position 679. The asparagine at codon 227 is replaced by aspartic acid, an amino acid with highly similar properties. This amino acid position is conserved. In addition, this alteration is predicted to be tolerated by in silico analysis. Based on the available evidence, the clinical significance of this variant remains unclear.

NM_133510.4(RAD51B):c.679A>G (p.Asn227Asp)

Gene: RAD51B (RAD51 paralog B; plus strand). Cytogenetic location: 14q24.1.
Variant type: single nucleotide variant.
Coding change: c.679A>G on transcript NM_133510.4 (MANE Select); coding-DNA position 679, A replaced by G.
Protein change: p.Asn227Asp; replaces asparagine 227 with aspartic acid.
Molecular consequence: missense variant.
Genome position (GRCh38, 1-based): chr14:67,887,127, A>G. VCF-style: chr14-67887127-A-G. GRCh37 (hg19) VCF-style: chr14-68353844-A-G.
Other names: c.679A>G, p.Asn227Asp (NM_001321809.2, NM_001321810.2, NM_001321812.1 and 6 more transcripts); c.565A>G, p.Asn189Asp (NM_001321815.1); c.322A>G, p.Asn108Asp (NM_001321817.2); short protein forms N189D, N108D, N227D.
Identifiers: ClinVar variation 4826665 (VCV004826665.1).